The following is an entry in ClinVar:

NM_001005361.3(DNM2):c.2231T>C (p.Val744Ala)

Gene: DNM2 (dynamin 2; plus strand). Cytogenetic location: 19p13.2.
Variant type: single nucleotide variant.
Coding change: c.2231T>C on transcript NM_001005361.3 (MANE Select); coding-DNA position 2231, T replaced by C.
Protein change: p.Val744Ala; replaces valine 744 with alanine.
Molecular consequence: missense variant.
Genome position (GRCh38, 1-based): chr19:10,829,208, T>C. VCF-style: chr19-10829208-T-C. GRCh37 (hg19) VCF-style: chr19-10939884-T-C.
Other names: c.2231T>C, p.Val744Ala (NM_001005360.3, NM_001190716.2); c.2219T>C, p.Val740Ala (NM_001005362.3, NM_004945.4); short protein forms V744A, V740A.
Identifiers: ClinVar variation 465284 (VCV000465284.16), dbSNP rs777609224, ClinGen allele CA9201548.

ClinVar aggregate classification (germline): Conflicting classifications of pathogenicity. Review status: criteria provided, conflicting classifications (1 of 4 stars). 3 submissions from 3 submitters: Uncertain significance (1); Likely benign (2). Last evaluated 2025-10-21.

Conditions:
Charcot-Marie-Tooth disease dominant intermediate B (CMTDIB). Also called: CHARCOT-MARIE-TOOTH NEUROPATHY, DOMINANT INTERMEDIATE B; Charcot-Marie-Tooth disease dominant intermediate 1; CMT DI1; Charcot-Marie-Tooth disease dominant intermediate I. Identifiers: Orphanet 100044, Orphanet 228179, MedGen C1847902, MONDO:0011674, OMIM 606482.

Allele frequency attached by ClinVar (database versions not stated): ExAC 0.00002; gnomAD exomes 0.00002 and 0.00005; gnomAD 0.00005 and 0.00006; TOPMed 0.00005.
gnomAD v4.1: 81 of 1,613,836 alleles (0.005%); highest among the groups gnomAD compares: Non-Finnish European, 0.0067%; no homozygotes.

Submissions (3):

Labcorp Genetics (formerly Invitae), Labcorp
Classification: Likely benign for Charcot-Marie-Tooth disease dominant intermediate B. Last evaluated: 2025-10-21. Review status: criteria provided, single submitter. Criteria: Invitae Variant Classification Sherloc (09022015). Collection method: clinical testing. Allele origin: germline.

Revvity Omics, Revvity
Classification: Uncertain significance. Last evaluated: 2021-11-28. Review status: criteria provided, single submitter. Criteria: ACMG Guidelines, 2015. Collection method: clinical testing. Allele origin: germline.

GeneDx
Classification: Likely benign. Last evaluated: 2019-08-23. Review status: criteria provided, single submitter. Criteria: GeneDx Variant Classification Process June 2021. Collection method: clinical testing. Allele origin: germline. Affected: yes.
Comment: This variant is associated with the following publications: (PMID: 29695406)